The following is an entry in ClinVar:

NM_015425.6(POLR1A):c.700A>T (p.Thr234Ser)

Gene: POLR1A (RNA polymerase I subunit A; minus strand). Cytogenetic location: 2p11.2.
Variant type: single nucleotide variant.
Coding change: c.700A>T on transcript NM_015425.6 (MANE Select); coding-DNA position 700, A replaced by T.
Protein change: p.Thr234Ser; replaces threonine 234 with serine.
Molecular consequence: missense variant.
Genome position (GRCh38, 1-based): chr2:86,088,596, T>A on the plus strand (A>T on the coding strand, the complement: POLR1A is on the minus strand). VCF-style: chr2-86088596-T-A. GRCh37 (hg19) VCF-style: chr2-86315719-T-A.
Other names: short protein forms T234S.
Identifiers: ClinVar variation 1374366 (VCV001374366.6), dbSNP rs774307394, ClinGen allele CA1746566.
Genomic context (GRCh38, chr2:86,088,596, plus strand): 5'-GGAGCTCCTCTCCAGACCCAGCCTGCTCACCCAGGGGCTCAGAGTCCTTCTGGCCAGCTG[T>A]CCTGTGCACCATGGCTGGAAACGTGATAGTCAACTTGCTGTTGTGTTCCTTTCGGACAAC-3'
Protein context (NP_056240.2, residues 224-244): TITFPAMVHR[Thr234Ser]AGQKDSEPLG

ClinVar aggregate classification (germline): Uncertain significance (1 of 4 stars; one submission).

Allele frequency attached by ClinVar (database versions not stated): gnomAD exomes below 0.00001; ExAC 0.00001.

Submission:

Labcorp Genetics (formerly Invitae), Labcorp
Classification: Uncertain significance. Last evaluated: 2021-12-02. Review status: criteria provided, single submitter. Criteria: Invitae Variant Classification Sherloc (09022015). Collection method: clinical testing. Allele origin: germline.
Comment: This sequence change replaces threonine with serine at codon 234 of the POLR1A protein (p.Thr234Ser). The threonine residue is weakly conserved and there is a small physicochemical difference between threonine and serine. This variant is present in population databases (rs774307394, gnomAD 0.003%). In summary, the available evidence is currently insufficient to determine the role of this variant in disease. Therefore, it has been classified as a Variant of Uncertain Significance. Algorithms developed to predict the effect of missense changes on protein structure and function are either unavailable or do not agree on the potential impact of this missense change (SIFT: "Not Available"; PolyPhen-2: "Benign"; Align-GVGD: "Not Available"). This variant has not been reported in the literature in individuals affected with POLR1A-related conditions.